The following is an entry in ClinVar:

NM_001330260.2(SCN8A):c.3206G>A (p.Gly1069Asp)

Gene: SCN8A (sodium voltage-gated channel alpha subunit 8; plus strand). Cytogenetic location: 12q13.13.
Variant type: single nucleotide variant.
Coding change: c.3206G>A on transcript NM_001330260.2 (MANE Select); coding-DNA position 3206, G replaced by A.
Protein change: p.Gly1069Asp; replaces glycine 1069 with aspartic acid.
Molecular consequence: missense variant.
Genome position (GRCh38, 1-based): chr12:51,769,169, G>A. VCF-style: chr12-51769169-G-A. GRCh37 (hg19) VCF-style: chr12-52162953-G-A.
Other names: c.3206G>A, p.Gly1069Asp (NM_001177984.3, NM_001369788.1, NM_014191.4); short protein forms G1069D.
Identifiers: ClinVar variation 1487947 (VCV001487947.9), dbSNP rs2138868784, ClinGen allele CA384892998.

ClinVar aggregate classification (germline): Uncertain significance (1 of 4 stars; one submission).

Conditions:
Early-infantile DEE. Also called: Ohtahara syndrome; Early infantile epileptic encephalopathy; Early infantile epileptic encephalopathy with suppression bursts. Identifiers: Orphanet 1934, MedGen C0393706, MONDO:0800491.

Submission:

Labcorp Genetics (formerly Invitae), Labcorp
Classification: Uncertain significance for Early-infantile DEE. Last evaluated: 2021-02-20. Review status: criteria provided, single submitter. Criteria: Invitae Variant Classification Sherloc (09022015). Collection method: clinical testing. Allele origin: germline.
Comment: This sequence change replaces glycine with aspartic acid at codon 1069 of the SCN8A protein (p.Gly1069Asp). The glycine residue is highly conserved and there is a moderate physicochemical difference between glycine and aspartic acid. In summary, the available evidence is currently insufficient to determine the role of this variant in disease. Therefore, it has been classified as a Variant of Uncertain Significance. Algorithms developed to predict the effect of missense changes on protein structure and function are either unavailable or do not agree on the potential impact of this missense change (SIFT: "Deleterious"; PolyPhen-2: "Probably Damaging"; Align-GVGD: "Class C0"). This variant has not been reported in the literature in individuals with SCN8A-related conditions. This variant is not present in population databases (ExAC no frequency).